The following is an entry in ClinVar:

NM_005045.4(RELN):c.3451G>C (p.Glu1151Gln)

Gene: RELN (reelin; minus strand). Cytogenetic location: 7q22.1.
Variant type: single nucleotide variant.
Coding change: c.3451G>C on transcript NM_005045.4 (MANE Select); coding-DNA position 3451, G replaced by C.
Protein change: p.Glu1151Gln; replaces glutamic acid 1151 with glutamine.
Molecular consequence: missense variant.
Genome position (GRCh38, 1-based): chr7:103,596,544, C>G on the plus strand (G>C on the coding strand, the complement: RELN is on the minus strand). VCF-style: chr7-103596544-C-G. GRCh37 (hg19) VCF-style: chr7-103236991-C-G.
Other names: c.3451G>C, p.Glu1151Gln (NM_173054.3); short protein forms E1151Q.
Identifiers: ClinVar variation 2942889 (VCV002942889.3), dbSNP rs2484799458, ClinGen allele CA368760851.

ClinVar aggregate classification (germline): Uncertain significance (1 of 4 stars; one submission).

Conditions:
Familial temporal lobe epilepsy 7. Identifiers: Orphanet 101046, MedGen C4225327, MONDO:0014639, OMIM 616436.
Norman-Roberts syndrome (LIS2). Also called: Lissencephaly 2 (Norman-Roberts type). Identifiers: Orphanet 89844, MedGen C0796089, MONDO:0009760, OMIM 257320.

Submission:

Labcorp Genetics (formerly Invitae), Labcorp
Classification: Uncertain significance for Familial temporal lobe epilepsy 7; Norman-Roberts syndrome. Last evaluated: 2023-03-09. Review status: criteria provided, single submitter. Criteria: Invitae Variant Classification Sherloc (09022015). Collection method: clinical testing. Allele origin: germline.
Comment: This variant has not been reported in the literature in individuals affected with RELN-related conditions. This sequence change replaces glutamic acid, which is acidic and polar, with glutamine, which is neutral and polar, at codon 1151 of the RELN protein (p.Glu1151Gln). This variant is not present in population databases (gnomAD no frequency). Advanced modeling of protein sequence and biophysical properties (such as structural, functional, and spatial information, amino acid conservation, physicochemical variation, residue mobility, and thermodynamic stability) has been performed at Invitae for this missense variant, however the output from this modeling did not meet the statistical confidence thresholds required to predict the impact of this variant on RELN protein function. In summary, the available evidence is currently insufficient to determine the role of this variant in disease. Therefore, it has been classified as a Variant of Uncertain Significance.